The following is an entry in ClinVar:

NM_001070.5(TUBG1):c.480-6C>T

Gene: TUBG1 (tubulin gamma 1; plus strand). Cytogenetic location: 17q21.2.
Variant type: single nucleotide variant.
Coding change: c.480-6C>T on transcript NM_001070.5 (MANE Select); 6 bases into the intron before coding-DNA position 480, C replaced by T.
Molecular consequence: intron variant.
Genome position (GRCh38, 1-based): chr17:42,612,941, C>T. VCF-style: chr17-42612941-C-T. GRCh37 (hg19) VCF-style: chr17-40764959-C-T.
Identifiers: ClinVar variation 681765 (VCV000681765.13), dbSNP rs778522058, ClinGen allele CA8579893.

ClinVar aggregate classification (germline): Benign/Likely benign. Review status: criteria provided, multiple submitters, no conflicts (2 of 4 stars). 3 submissions from 3 submitters: Benign (2); Likely benign (1). Last evaluated 2026-01-01.

Allele frequency attached by ClinVar (database versions not stated): gnomAD 0.00004 and 0.00005; gnomAD exomes 0.00005 and 0.00029; TOPMed 0.00012; ExAC 0.00026.
gnomAD v4.1: 86 of 1,613,822 alleles (0.0053%); highest among the groups gnomAD compares: Admixed American, 0.14%; 1 homozygote.

Submissions (3):

CeGaT Center for Human Genetics Tuebingen
Classification: Benign. Last evaluated: 2026-01-01. Review status: criteria provided, single submitter. Criteria: CeGaT Center For Human Genetics Tuebingen Variant Classification Criteria Version 2. Collection method: clinical testing. Allele origin: germline. Affected: yes. Observed: 1 variant allele.
Comment: TUBG1: BP4, BS1, BS2

Labcorp Genetics (formerly Invitae), Labcorp
Classification: Benign. Last evaluated: 2025-12-31. Review status: criteria provided, single submitter. Criteria: Invitae Variant Classification Sherloc (09022015). Collection method: clinical testing. Allele origin: germline.

GeneDx
Classification: Likely benign. Last evaluated: 2018-04-12. Review status: criteria provided, single submitter. Criteria: GeneDx Variant Classification (06012015). Collection method: clinical testing. Allele origin: germline. Affected: yes.
Comment: This variant is considered likely benign or benign based on one or more of the following criteria: it is a conservative change, it occurs at a poorly conserved position in the protein, it is predicted to be benign by multiple in silico algorithms, and/or has population frequency not consistent with disease.